The following is an entry in ClinVar:

NM_001354604.2(MITF):c.890T>C (p.Phe297Ser)

Gene: MITF (melanocyte inducing transcription factor; plus strand). Cytogenetic location: 3p13.
Variant type: single nucleotide variant.
Coding change: c.890T>C on transcript NM_001354604.2 (MANE Select); coding-DNA position 890, T replaced by C.
Protein change: p.Phe297Ser; replaces phenylalanine 297 with serine.
Molecular consequence: missense variant. On other transcripts: intron variant (9).
Genome position (GRCh38, 1-based): chr3:69,951,821, T>C. VCF-style: chr3-69951821-T-C. GRCh37 (hg19) VCF-style: chr3-70000972-T-C.
Other names: c.569T>C, p.Phe190Ser (NM_000248.4); c.887T>C, p.Phe296Ser (NM_001354605.2); c.830-9T>C (NM_001354607.2); c.725-9T>C (NM_001354608.2, NM_001184967.2); c.881-9T>C (NM_198159.3); c.878-9T>C (NM_001354606.2, NM_006722.3); c.833-9T>C (NM_198177.3); c.560-9T>C (NM_198158.3); and 1 more; short protein forms F190S, F297S, F296S.
Identifiers: ClinVar variation 2005454 (VCV002005454.4), dbSNP rs2471630077, ClinGen allele CA353561521.
Genomic context (GRCh38, chr3:69,951,821, plus strand): 5'-TGTGCAACTTCAAACAGTTCCAACTTCTAATGACTTCATTCACGTGCACAGCGTGTATTT[T>C]TCCCACAGAGTCTGAAGCAAGAGCACTGGCCAAAGAGAGGCAGAAAAAGGACAATCACAA-3'
Protein context (NP_001341533.1, residues 287-307): NIKRELTACI[Phe297Ser]PTESEARALA

ClinVar aggregate classification (germline): Uncertain significance. Review status: criteria provided, multiple submitters, no conflicts (2 of 4 stars). 2 submissions from 2 submitters: Uncertain significance (2). Last evaluated 2025-09-21.

Conditions:
Hereditary cancer-predisposing syndrome. Also called: Hereditary neoplastic syndrome; Hereditary Cancer Syndrome; Tumor predisposition; Neoplastic Syndromes, Hereditary. Identifiers: Orphanet 140162, MedGen C0027672, MeSH D009386, MONDO:0015356.
Melanoma, cutaneous malignant, susceptibility to, 8. Also called: MELANOMA AND RENAL CELL CARCINOMA, SUSCEPTIBILITY TO; Cutaneous malignant melanoma 8. Identifiers: Orphanet 293822, MedGen C3152204, MONDO:0013759, OMIM 614456.
Tietz syndrome (TADS). Also called: TIETZ ALBINISM-DEAFNESS SYNDROME; ALBINISM-DEAFNESS OF TIETZ; HYPOPIGMENTATION/DEAFNESS OF TIETZ. Identifiers: Orphanet 42665, MedGen C0391816, MONDO:0007077, OMIM 103500.
Waardenburg syndrome type 2A (WS2A). Also called: WAARDENBURG SYNDROME WITHOUT DYSTOPIA CANTHORUM. Identifiers: Orphanet 3440, MedGen C1860339, MONDO:0008671, OMIM 193510.

Submissions (2):

Ambry Genetics
Classification: Uncertain significance for Hereditary cancer-predisposing syndrome. Last evaluated: 2025-09-21. Review status: criteria provided, single submitter. Criteria: Ambry Variant Classification Scheme 2023. Collection method: clinical testing. Allele origin: germline.
Comment: The p.F190S variant (also known as c.569T>C), located in coding exon 6 of the MITF gene, results from a T to C substitution at nucleotide position 569. The phenylalanine at codon 190 is replaced by serine, an amino acid with highly dissimilar properties. This amino acid position is conserved. In addition, this alteration is predicted to be tolerated by in silico analysis. Based on the available evidence, the clinical significance of this variant remains unclear.

Labcorp Genetics (formerly Invitae), Labcorp
Classification: Uncertain significance for Melanoma, cutaneous malignant, susceptibility to, 8; Waardenburg syndrome type 2A; Tietz syndrome. Last evaluated: 2024-04-01. Review status: criteria provided, single submitter. Criteria: Invitae Variant Classification Sherloc (09022015). Collection method: clinical testing. Allele origin: germline.
Comment: This sequence change replaces phenylalanine, which is neutral and non-polar, with serine, which is neutral and polar, at codon 190 of the MITF protein (p.Phe190Ser). This variant is not present in population databases (gnomAD no frequency). This variant has not been reported in the literature in individuals affected with MITF-related conditions. ClinVar contains an entry for this variant (Variation ID: 2005454). An algorithm developed to predict the effect of missense changes on protein structure and function (PolyPhen-2) suggests that this variant¬¨‚Ä†is likely to be tolerated. In summary, the available evidence is currently insufficient to determine the role of this variant in disease. Therefore, it has been classified as a Variant of Uncertain Significance.